The following is an entry in ClinVar:

ClinVar aggregate classification (germline): Uncertain significance. Review status: criteria provided, multiple submitters, no conflicts (2 of 4 stars). 2 submissions from 2 submitters: Uncertain significance (2). Last evaluated 2022-10-17.

Conditions:
Brugada syndrome 4 (BRGDA4). Identifiers: Orphanet 130, MedGen C2678477, MONDO:0012743, OMIM 611876.
Cardiovascular phenotype. Identifiers: MedGen CN230736.

Allele frequency attached by ClinVar (database versions not stated): ExAC 0.00001.

Submissions (2):

Labcorp Genetics (formerly Invitae), Labcorp
Classification: Uncertain significance for Brugada syndrome 4. Last evaluated: 2022-10-17. Review status: criteria provided, single submitter. Criteria: Invitae Variant Classification Sherloc (09022015). Collection method: clinical testing. Allele origin: germline.
Comment: Advanced modeling of protein sequence and biophysical properties (such as structural, functional, and spatial information, amino acid conservation, physicochemical variation, residue mobility, and thermodynamic stability) performed at Invitae indicates that this missense variant is not expected to disrupt CACNB2 protein function. ClinVar contains an entry for this variant (Variation ID: 1014589). This variant has not been reported in the literature in individuals affected with CACNB2-related conditions. This variant is present in population databases (rs768218683, gnomAD 0.0009%). This sequence change replaces proline, which is neutral and non-polar, with serine, which is neutral and polar, at codon 60 of the CACNB2 protein (p.Pro60Ser). In summary, the available evidence is currently insufficient to determine the role of this variant in disease. Therefore, it has been classified as a Variant of Uncertain Significance.

Ambry Genetics
Classification: Uncertain significance for Cardiovascular phenotype. Last evaluated: 2022-10-11. Review status: criteria provided, single submitter. Criteria: Ambry Variant Classification Scheme 2023. Collection method: clinical testing. Allele origin: germline.
Comment: The p.P60S variant (also known as c.178C>T), located in coding exon 3 of the CACNB2 gene, results from a C to T substitution at nucleotide position 178. The proline at codon 60 is replaced by serine, an amino acid with similar properties. This amino acid position is conserved. In addition, this alteration is predicted to be deleterious by in silico analysis. Since supporting evidence is limited at this time, the clinical significance of this alteration remains unclear.

NM_201596.3(CACNB2):c.340C>T (p.Pro114Ser)

Gene: CACNB2 (calcium voltage-gated channel auxiliary subunit beta 2; plus strand). Cytogenetic location: 10p12.31.
Variant type: single nucleotide variant.
Coding change: c.340C>T on transcript NM_201596.3 (MANE Select); coding-DNA position 340, C replaced by T.
Protein change: p.Pro114Ser; replaces proline 114 with serine.
Molecular consequence: missense variant.
Genome position (GRCh38, 1-based): chr10:18,498,361, C>T. VCF-style: chr10-18498361-C-T. GRCh37 (hg19) VCF-style: chr10-18787290-C-T.
Other names: c.175C>T, p.Pro59Ser (NM_000724.4, NM_001330060.2); c.256C>T, p.Pro86Ser (NM_001167945.2, NM_201571.4, NM_201572.4); c.196C>T, p.Pro66Ser (NM_201570.3); c.178C>T, p.Pro60Ser (NM_201590.3); c.340C>T, p.Pro114Ser (NM_201593.3, NM_201597.3); short protein forms P114S, P59S, P60S, P66S, P86S.
Identifiers: ClinVar variation 1014589 (VCV001014589.12), dbSNP rs768218683, ClinGen allele CA5429594.